The following is an entry in ClinVar:

NM_001371279.1(REEP1):c.26T>C (p.Leu9Pro)

Gene: REEP1 (receptor accessory protein 1; minus strand). Cytogenetic location: 2p11.2.
Variant type: single nucleotide variant.
Coding change: c.26T>C on transcript NM_001371279.1 (MANE Select); coding-DNA position 26, T replaced by C.
Protein change: p.Leu9Pro; replaces leucine 9 with proline.
Molecular consequence: missense variant. On other transcripts: synonymous variant (1), intron variant (1).
Genome position (GRCh38, 1-based): chr2:86,337,485, A>G on the plus strand (T>C on the coding strand, the complement: REEP1 is on the minus strand). VCF-style: chr2-86337485-A-G. GRCh37 (hg19) VCF-style: chr2-86564608-A-G.
Other names: c.18T>C, p.Ala6= (NM_001164731.2); c.26T>C, p.Leu9Pro (NM_001164732.2, NM_001371280.1, NM_001410855.1 and 2 more transcripts); c.53+539T>C (NM_001164730.2); short protein forms L9P.
Identifiers: ClinVar variation 2832032 (VCV002832032.3), dbSNP rs2469203297, ClinGen allele CA347725460.

ClinVar aggregate classification (germline): Uncertain significance (1 of 4 stars; one submission).

Conditions:
Hereditary spastic paraplegia 31. Also called: SPASTIC PARAPLEGIA 31, AUTOSOMAL DOMINANT. Identifiers: Orphanet 101011, MedGen C1853247, MONDO:0012453, OMIM 610250.

Allele frequency attached by ClinVar (database versions not stated): gnomAD exomes below 0.00001.
gnomAD v4.1: 1 of 1,298,342 alleles (0.000077%); highest among the groups gnomAD compares: Non-Finnish European, 0.000098%; no homozygotes.

Submission:

Labcorp Genetics (formerly Invitae), Labcorp
Classification: Uncertain significance for Hereditary spastic paraplegia 31. Last evaluated: 2023-01-26. Review status: criteria provided, single submitter. Criteria: Invitae Variant Classification Sherloc (09022015). Collection method: clinical testing. Allele origin: germline.
Comment: In summary, the available evidence is currently insufficient to determine the role of this variant in disease. Therefore, it has been classified as a Variant of Uncertain Significance. Algorithms developed to predict the effect of missense changes on protein structure and function are either unavailable or do not agree on the potential impact of this missense change (SIFT: "Deleterious"; PolyPhen-2: "Possibly Damaging"; Align-GVGD: "Class C0"). This variant has not been reported in the literature in individuals affected with REEP1-related conditions. This variant is not present in population databases (gnomAD no frequency). This sequence change replaces leucine, which is neutral and non-polar, with proline, which is neutral and non-polar, at codon 9 of the REEP1 protein (p.Leu9Pro).